The following is an entry in ClinVar:

ClinVar aggregate classification (germline): Pathogenic (1 of 4 stars; one submission).

Conditions:
Long QT syndrome (LQTS). Identifiers: MedGen C0023976, MeSH D008133, MONDO:0002442. Disease mechanism: loss of function. Inheritance: Various modes of inheritance.

Submission:

Labcorp Genetics (formerly Invitae), Labcorp
Classification: Pathogenic for Long QT syndrome. Last evaluated: 2020-02-28. Review status: criteria provided, single submitter. Criteria: Invitae Variant Classification Sherloc (09022015). Collection method: clinical testing. Allele origin: germline.
Comment: For these reasons, this variant has been classified as Pathogenic. This sequence change creates a premature translational stop signal (p.Leu170Alafs*162) in the KCNH2 gene. It is expected to result in an absent or disrupted protein product. The frequency data for this variant in the population databases is considered unreliable, as metrics indicate insufficient coverage at this position in the ExAC database. This variant has not been reported in the literature in individuals with KCNH2-related conditions. Loss-of-function variants in KCNH2 are known to be pathogenic (PMID: 10973849, 19862833).

Literature cited by the submitters: PubMed 10973849; PubMed 19862833.

NM_000238.4(KCNH2):c.507dup (p.Leu170fs)

Gene: KCNH2 (potassium voltage-gated channel subfamily H member 2; minus strand). Cytogenetic location: 7q36.1.
Variant type: Duplication.
Coding change: c.507dup on transcript NM_000238.4 (MANE Select); coding-DNA position 507, one base duplicated (G; older notation c.507dupG).
Protein change: p.Leu170fs; shifts the reading frame from leucine 170.
Molecular consequence: frameshift variant.
Genome position (GRCh38, 1-based): chr7:150,958,468, C duplicated on the plus strand (G on the coding strand, the reverse complement: KCNH2 is on the minus strand). VCF-style (leftmost placement, unchanged base first): chr7-150958467-G-GC. GRCh37 (hg19) VCF-style: chr7-150655555-G-GC.
Other names: c.219dup, p.Leu74Alafs (NM_001406753.1, NM_001406756.1); c.330dup, p.Leu111Alafs (NM_001406755.1); c.207dup, p.Leu70Alafs (NM_001406757.1); c.507dup, p.Leu170Alafs (NM_172056.3); short protein forms L170fs.
Identifiers: ClinVar variation 850821 (VCV000850821.9), dbSNP rs1801462423, ClinGen allele CA916080383.